The following is an entry in ClinVar:

NM_001200.4(BMP2):c.316G>A (p.Ala106Thr)

Gene: BMP2 (bone morphogenetic protein 2; plus strand). Cytogenetic location: 20p12.3.
Variant type: single nucleotide variant.
Coding change: c.316G>A on transcript NM_001200.4 (MANE Select); coding-DNA position 316, G replaced by A.
Protein change: p.Ala106Thr; replaces alanine 106 with threonine.
Molecular consequence: missense variant.
Genome position (GRCh38, 1-based): chr20:6,770,442, G>A. VCF-style: chr20-6770442-G-A. GRCh37 (hg19) VCF-style: chr20-6751089-G-A.
Other names: short protein forms A106T.
Identifiers: ClinVar variation 2439530 (VCV002439530.6), dbSNP rs2273074, ClinGen allele CA9758643.
Genomic context (GRCh38, chr20:6,770,442, plus strand): 5'-CACTCAGGTCAGCCGGGCTCACCCGCCCCAGACCACCGGTTGGAGAGGGCAGCCAGCCGA[G>A]CCAACACTGTGCGCAGCTTCCACCATGAAGGTGAGGCATGGAGCAGGGCGTGGGGGCGGG-3'
Protein context (NP_001191.1, residues 96-116): DHRLERAASR[Ala106Thr]NTVRSFHHEE

ClinVar aggregate classification (germline): Uncertain significance. Review status: criteria provided, multiple submitters, no conflicts (2 of 4 stars). 2 submissions from 2 submitters: Uncertain significance (2). Last evaluated 2026-01-18.

Allele frequency attached by ClinVar (database versions not stated): gnomAD 0.00005; TOPMed 0.00002; ExAC 0.00003; gnomAD exomes 0.00010; 1000 Genomes Project 30x 0.00031; 1000 Genomes Project 0.00040.
gnomAD v4.1: 147 of 1,605,084 alleles (0.0092%); highest among the groups gnomAD compares: East Asian, 0.32%; 1 homozygote.

Submissions (2):

Labcorp Genetics (formerly Invitae), Labcorp
Classification: Uncertain significance. Last evaluated: 2026-01-18. Review status: criteria provided, single submitter. Criteria: Invitae Variant Classification Sherloc (09022015). Collection method: clinical testing. Allele origin: germline.
Comment: This sequence change replaces alanine, which is neutral and non-polar, with threonine, which is neutral and polar, at codon 106 of the BMP2 protein (p.Ala106Thr). This variant is present in population databases (rs2273074, gnomAD 0.02%). This variant has not been reported in the literature in individuals affected with BMP2-related conditions. ClinVar contains an entry for this variant (Variation ID: 2439530). An algorithm developed to predict the effect of missense changes on protein structure and function (PolyPhen-2) suggests that this variant is likely to be tolerated. In summary, the available evidence is currently insufficient to determine the role of this variant in disease. Therefore, it has been classified as a Variant of Uncertain Significance.

Revvity Omics, Revvity
Classification: Uncertain significance. Last evaluated: 2021-06-28. Review status: criteria provided, single submitter. Criteria: ACMG Guidelines, 2015. Collection method: clinical testing. Allele origin: germline.